The following is an entry in ClinVar:

ClinVar aggregate classification (germline): Uncertain significance. Review status: criteria provided, multiple submitters, no conflicts (2 of 4 stars). 2 submissions from 2 submitters: Uncertain significance (2). Last evaluated 2021-09-14.

Conditions:
Bethlem myopathy 1A. Also called: Bethlem myopathy 1; MYOPATHY, BENIGN CONGENITAL, WITH CONTRACTURES; Bethlem Muscular Dystrophy. Identifiers: Orphanet 610, MedGen CN029274, MONDO:0024530, OMIM 158810.

Allele frequency attached by ClinVar (database versions not stated): gnomAD exomes below 0.00001; gnomAD 0.00001; TOPMed 0.00001.

Submissions (2):

Labcorp Genetics (formerly Invitae), Labcorp
Classification: Uncertain significance for Bethlem myopathy 1A. Last evaluated: 2021-09-14. Review status: criteria provided, single submitter. Criteria: Invitae Variant Classification Sherloc (09022015). Collection method: clinical testing. Allele origin: germline.
Comment: This sequence change falls in intron 16 of the COL6A3 gene. It does not directly change the encoded amino acid sequence of the COL6A3 protein. This variant is not present in population databases (ExAC no frequency). In summary, the available evidence is currently insufficient to determine the role of this variant in disease. Therefore, it has been classified as a Variant of Uncertain Significance. Algorithms developed to predict the effect of sequence changes on RNA splicing suggest that this variant may disrupt the consensus splice site. ClinVar contains an entry for this variant (Variation ID: 434816). This variant has not been reported in the literature in individuals affected with COL6A3-related conditions.

Genetic Services Laboratory, University of Chicago
Classification: Uncertain significance. Last evaluated: 2016-07-01. Review status: criteria provided, single submitter. Criteria: ACMG Guidelines, 2015. Collection method: clinical testing. Allele origin: germline. Affected: no.

NM_004369.4(COL6A3):c.6211-9del

Gene: COL6A3 (collagen type VI alpha 3 chain; minus strand). Cytogenetic location: 2q37.3.
Variant type: Deletion.
Coding change: c.6211-9del on transcript NM_004369.4 (MANE Select); 9 bases into the intron before coding-DNA position 6211, one base deleted (T; older notation c.6211-9delT).
Molecular consequence: intron variant.
Genome position (GRCh38, 1-based): chr2:237,360,168, A deleted on the plus strand (T on the coding strand, the reverse complement: COL6A3 is on the minus strand). VCF-style (leftmost placement, unchanged base first): chr2-237360167-GA-G. GRCh37 (hg19) VCF-style: chr2-238268810-GA-G.
Other names: c.4390-9del (NM_057166.5); c.5593-9del (NM_057167.4).
Identifiers: ClinVar variation 434816 (VCV000434816.11), dbSNP rs1280994015, ClinGen allele CA540464047.